The following is an entry in ClinVar:

NM_004646.4(NPHS1):c.2625G>A (p.Trp875Ter)

Gene: NPHS1 (NPHS1 adhesion molecule, nephrin; minus strand). Cytogenetic location: 19q13.12.
Variant type: single nucleotide variant.
Coding change: c.2625G>A on transcript NM_004646.4 (MANE Select); coding-DNA position 2625, G replaced by A.
Protein change: p.Trp875Ter; replaces tryptophan 875 with a stop codon.
Molecular consequence: nonsense.
Genome position (GRCh38, 1-based): chr19:35,842,162, C>T on the plus strand (G>A on the coding strand, the complement: NPHS1 is on the minus strand). VCF-style: chr19-35842162-C-T. GRCh37 (hg19) VCF-style: chr19-36333064-C-T.
Other names: short protein forms W875*.
Identifiers: ClinVar variation 56484 (VCV000056484.2), dbSNP rs386833923, ClinGen allele CA250204.

ClinVar aggregate classification (germline): Likely pathogenic (0 of 4 stars; one submission).

Conditions:
Finnish congenital nephrotic syndrome (NPHS1). Also called: NEPHROTIC SYNDROME, TYPE 1. Identifiers: Orphanet 839, MedGen C0403399, MONDO:0009732, OMIM 256300.

Allele frequency attached by ClinVar (database versions not stated): TOPMed below 0.00001.

Submission:

Juha Muilu Group; Institute for Molecular Medicine Finland (FIMM)
Classification: Likely pathogenic for Finnish congenital nephrotic syndrome. Review status: no assertion criteria provided. Collection method: not provided. Allele origin: unknown.
Comment: FinDis database variant: This variant was not found or characterized by our laboratory, data were collected from public sources: see reference
ClinVar note: Converted during submission from probable-pathogenic to Likely pathogenic.